The following is an entry in ClinVar:

ClinVar aggregate classification (germline): Pathogenic/Likely pathogenic. Review status: criteria provided, multiple submitters, no conflicts (2 of 4 stars). 2 submissions from 2 submitters: Pathogenic (1); Likely pathogenic (1). Last evaluated 2025-07-21.

Conditions:
Asphyxiating thoracic dystrophy 3. Also called: SHORT-RIB THORACIC DYSPLASIA 3 WITH OR WITHOUT POLYDACTYLY; POLYDACTYLY WITH NEONATAL CHONDRODYSTROPHY, TYPE I; SHORT-RIB THORACIC DYSPLASIA 3/6 WITH POLYDACTYLY, DIGENIC; Short rib polydactyly syndrome 2B; Saldino-Noonan Syndrome. Identifiers: Orphanet 474, Orphanet 93269, Orphanet 93270, Orphanet 93271, MedGen C0036069, MONDO:0013127, OMIM 613091.

Allele frequency attached by ClinVar (database versions not stated): TOPMed below 0.00001; gnomAD exomes 0.00002.
gnomAD v4.1: 26 of 1,612,336 alleles (0.0016%); highest among the groups gnomAD compares: Non-Finnish European, 0.0022%; no homozygotes.

Submissions (2):

Myriad Genetics, Inc.
Classification: Likely pathogenic for Asphyxiating thoracic dystrophy 3. Last evaluated: 2025-07-21. Review status: criteria provided, single submitter. Criteria: Myriad Autosomal Dominant, Autosomal Recessive and X-Linked Classification Criteria (2023). Collection method: clinical testing. Allele origin: unknown.
Comment: NM_001377.2(DYNC2H1):c.7140+1G>A is a variant in a canonical splice site classified as likely pathogenic in the context of DYNC2H1-related disorders. c.7140+1G>A has not been observed in cases with relevant disease. Relevant functional assessments of this variant are not available in the literature. c.7140+1G>A has not been observed in referenced population frequency databases. In summary, NM_001377.2(DYNC2H1):c.7140+1G>A is a variant in a canonical splice site in a gene where loss of function is a known mechanism of disease and is predicted to disrupt protein function. Please note: this variant was assessed in the context of healthy population screening.

GeneDx
Classification: Pathogenic. Last evaluated: 2019-12-02. Review status: criteria provided, single submitter. Criteria: GeneDx Variant Classification Process June 2021. Collection method: clinical testing. Allele origin: germline. Affected: yes.
Comment: Canonical splice site variant in a gene for which loss-of-function is a known mechanism of disease; Not observed in large population cohorts (Lek et al., 2016); Has not been previously published as pathogenic or benign to our knowledge

NM_001377.3(DYNC2H1):c.7140+1G>A

Gene: DYNC2H1 (dynein cytoplasmic 2 heavy chain 1; plus strand). Cytogenetic location: 11q22.3.
Variant type: single nucleotide variant.
Coding change: c.7140+1G>A on transcript NM_001377.3 (MANE Select); the canonical splice donor site of the intron after coding-DNA position 7140, G replaced by A.
Molecular consequence: splice donor variant.
Genome position (GRCh38, 1-based): chr11:103,187,587, G>A. VCF-style: chr11-103187587-G-A. GRCh37 (hg19) VCF-style: chr11-103058316-G-A.
Other names: c.7140+1G>A (NM_001080463.2).
Identifiers: ClinVar variation 1195154 (VCV001195154.3), dbSNP rs757301333, ClinGen allele CA227405185.